The following is an entry in ClinVar:

NM_005534.4(IFNGR2):c.879+19C>T

Genes: IFNGR2 (interferon gamma receptor 2; plus strand), TMEM50B (transmembrane protein 50B; minus strand). Cytogenetic location: 21q22.11.
Variant type: single nucleotide variant.
Coding change: c.879+19C>T on transcript NM_005534.4 (MANE Select); 19 bases into the intron after coding-DNA position 879, C replaced by T.
Molecular consequence: intron variant.
Genome position (GRCh38, 1-based): chr21:33,432,890, C>T. VCF-style: chr21-33432890-C-T. GRCh37 (hg19) VCF-style: chr21-34805197-C-T.
Other names: c.936+19C>T (NM_001329128.2).
Identifiers: ClinVar variation 1170207 (VCV001170207.16), dbSNP rs17883129, ClinGen allele CA10007047.

ClinVar aggregate classification (germline): Benign/Likely benign. Review status: criteria provided, multiple submitters, no conflicts (2 of 4 stars). 5 submissions from 5 submitters: Benign (4); Likely benign (1). Last evaluated 2026-02-02.

Conditions:
Immunodeficiency 28 (IMD28). Also called: IFNGR2 DEFICIENCY. Identifiers: Orphanet 319547, Orphanet 319574, MedGen C4013947, MONDO:0013953, OMIM 614889.

Allele frequency attached by ClinVar (database versions not stated): ESP Exome Variant Server 0.23470; ExAC 0.27968; gnomAD exomes 0.29476; 1000 Genomes Project 0.35064; gnomAD 0.36902 and 0.37206; TOPMed 0.36967.
gnomAD v4.1: 442,581 of 1,465,184 alleles (30%); highest among the groups gnomAD compares: Admixed American, 37%; 26,315 homozygotes.

Submissions (5):

Labcorp Genetics (formerly Invitae), Labcorp
Classification: Benign for Immunodeficiency 28. Last evaluated: 2026-02-02. Review status: criteria provided, single submitter. Criteria: Invitae Variant Classification Sherloc (09022015). Collection method: clinical testing. Allele origin: germline.

Blueprint Genetics
Classification: Likely benign. Last evaluated: 2024-11-28. Review status: criteria provided, single submitter. Criteria: ACMG Guidelines, 2015. Collection method: clinical testing. Allele origin: germline.

Unidad de Genómica Garrahan, Hospital de Pediatría Garrahan
Classification: Benign. Last evaluated: 2024-01-24. Review status: criteria provided, single submitter. Criteria: ACMG Guidelines, 2015. Collection method: clinical testing. Allele origin: germline. Affected: no. Observed: 41 variant alleles.
Comment: This variant is classified as Benign based on local population frequency. This variant was detected in 47% of patients studied by a panel of primary immunodeficiencies. Number of patients: 41. Only high quality variants are reported.

GeneDx
Classification: Benign. Last evaluated: 2021-06-19. Review status: criteria provided, single submitter. Criteria: GeneDx Variant Classification Process June 2021. Collection method: clinical testing. Allele origin: germline. Affected: yes.

Breakthrough Genomics
Classification: Benign. Review status: criteria provided, single submitter. Criteria: ACMG Guidelines, 2015. Collection method: not provided. Allele origin: germline. Inheritance: Autosomal recessive inheritance. Affected: yes.